The following is an entry in ClinVar:

ClinVar aggregate classification (germline): Uncertain significance (1 of 4 stars; one submission).

Conditions:
Hereditary cancer-predisposing syndrome. Also called: Neoplastic Syndromes, Hereditary; Tumor predisposition; Hereditary Cancer Syndrome; Hereditary neoplastic syndrome. Identifiers: Orphanet 140162, MedGen C0027672, MeSH D009386, MONDO:0015356.

gnomAD v4.1: 1 of 1,612,484 alleles (0.000062%); highest among the groups gnomAD compares: Non-Finnish European, 0.000085%; no homozygotes.

Submission:

Ambry Genetics
Classification: Uncertain significance for Hereditary cancer-predisposing syndrome. Last evaluated: 2026-01-22. Review status: criteria provided, single submitter. Criteria: Ambry Variant Classification Scheme 2023. Collection method: clinical testing. Allele origin: germline.
Comment: The p.R232P variant (also known as c.695G>C), located in coding exon 6 of the APC gene, results from a G to C substitution at nucleotide position 695. The arginine at codon 232 is replaced by proline, an amino acid with dissimilar properties. This amino acid position is highly conserved in available vertebrate species. In addition, in silico predictors for this gene do not accurately predict pathogenicity. Missense variants in APC are not a common cause of disease (Spier I et al. Genet Med. 2024 Feb;26(2):100992). Based on the available evidence, the clinical significance of this variant remains unclear.

NM_000038.6(APC):c.695G>C (p.Arg232Pro)

Gene: APC (APC regulator of Wnt signaling pathway; plus strand). Cytogenetic location: 5q22.2.
Variant type: single nucleotide variant.
Coding change: c.695G>C on transcript NM_000038.6 (MANE Select); coding-DNA position 695, G replaced by C.
Protein change: p.Arg232Pro; replaces arginine 232 with proline.
Molecular consequence: missense variant. On other transcripts: 5 prime UTR variant (4), non-coding transcript variant (2), intron variant (5).
Genome position (GRCh38, 1-based): chr5:112,792,495, G>C. VCF-style: chr5-112792495-G-C. GRCh37 (hg19) VCF-style: chr5-112128192-G-C.
Other names: c.695G>C, p.Arg232Pro (NM_001127510.3, NM_001354895.2, NM_001354896.2 and 12 more transcripts); c.725G>C, p.Arg242Pro (NM_001354897.2, NM_001354902.2, NM_001407446.1); c.620G>C, p.Arg207Pro (NM_001354898.2, NM_001354904.2, NM_001407451.1); c.518G>C, p.Arg173Pro (NM_001354900.2, NM_001354901.2, NM_001354905.2 and 1 more transcripts); c.-341G>C (NM_001354906.2, NM_001407470.1, NM_001407471.1 and 1 more transcripts); c.646-8784G>C (NM_001407452.1, NM_001407469.1, NM_001354899.2 and 1 more transcripts); c.676-8784G>C (NM_001127511.3); short protein forms R207P, R232P, R242P, R173P.
Identifiers: ClinVar variation 4837381 (VCV004837381.1).